The following is an entry in ClinVar:

ClinVar aggregate classification (germline): Uncertain significance (1 of 4 stars; one submission).

Conditions:
Neuropathy, hereditary sensory, type 2C. Also called: KIF1A-Related HSAN2 (HSAN2C); Hereditary sensory and autonomic neuropathy type IIC. Identifiers: Orphanet 970, MedGen C3280168, MONDO:0013634, OMIM 614213.
Hereditary spastic paraplegia 30. Identifiers: Orphanet 101010, MedGen C5235139, MONDO:0012476.
Intellectual disability, autosomal dominant 9 (NESCAVS). Also called: NESCAV SYNDROME; KIF1A-Related Neurodevelopmental Disorder. Identifiers: Orphanet 662367, MedGen C5393830, MONDO:0013656, OMIM 614255.

Allele frequency attached by ClinVar (database versions not stated): gnomAD exomes below 0.00001.
gnomAD v4.1: 1 of 1,613,886 alleles (0.000062%); highest among the groups gnomAD compares: South Asian, 0.0011%; no homozygotes.

Submission:

Labcorp Genetics (formerly Invitae), Labcorp
Classification: Uncertain significance for Hereditary spastic paraplegia 30; Neuropathy, hereditary sensory, type 2C; Intellectual disability, autosomal dominant 9. Last evaluated: 2024-04-09. Review status: criteria provided, single submitter. Criteria: Invitae Variant Classification Sherloc (09022015). Collection method: clinical testing. Allele origin: germline.
Comment: This sequence change replaces isoleucine, which is neutral and non-polar, with valine, which is neutral and non-polar, at codon 872 of the KIF1A protein (p.Ile872Val). This variant is not present in population databases (gnomAD no frequency). This variant has not been reported in the literature in individuals affected with KIF1A-related conditions. Algorithms developed to predict the effect of missense changes on protein structure and function output the following: SIFT: "Not Available"; PolyPhen-2: "Benign"; Align-GVGD: "Not Available". The valine amino acid residue is found in multiple mammalian species, which suggests that this missense change does not adversely affect protein function. In summary, the available evidence is currently insufficient to determine the role of this variant in disease. Therefore, it has been classified as a Variant of Uncertain Significance.

NM_001244008.2(KIF1A):c.2917A>G (p.Ile973Val)

Gene: KIF1A (kinesin family member 1A; minus strand). Cytogenetic location: 2q37.3.
Variant type: single nucleotide variant.
Coding change: c.2917A>G on transcript NM_001244008.2 (MANE Select); coding-DNA position 2917, A replaced by G.
Protein change: p.Ile973Val; replaces isoleucine 973 with valine.
Molecular consequence: missense variant.
Genome position (GRCh38, 1-based): chr2:240,750,489, T>C on the plus strand (A>G on the coding strand, the complement: KIF1A is on the minus strand). VCF-style: chr2-240750489-T-C. GRCh37 (hg19) VCF-style: chr2-241689906-T-C.
Other names: c.2641A>G, p.Ile881Val (NM_001320705.2, NM_001330289.2, NM_001379638.1); c.2716A>G, p.Ile906Val (NM_001330290.2, NM_001379634.1, NM_001379635.1 and 1 more transcripts); c.2992A>G, p.Ile998Val (NM_001379631.1); c.2866A>G, p.Ile956Val (NM_001379632.1); c.2890A>G, p.Ile964Val (NM_001379633.1, NM_001379642.1, NM_001379645.1); c.2614A>G, p.Ile872Val (NM_001379636.1, NM_001379639.1, NM_001379640.1 and 7 more transcripts); c.2689A>G, p.Ile897Val (NM_001379637.1, NM_001379648.1); short protein forms I964V, I973V, I906V, I881V, I897V, I956V, I998V, I872V.
Identifiers: ClinVar variation 2953817 (VCV002953817.3), dbSNP rs2537387457, ClinGen allele CA351320067.
Genomic context (GRCh38, chr2:240,750,489, plus strand): 5'-CTGAGATGGCCTGGACGGCCACGCGGAGGAAGCCCTTCACCTCGCCCTTCTCGCTGACGA[T>C]TGCCACACGGTGTACCAGGGGAACGGGGTACAGCAGGTTGCTCAGGTACACGAAGGCCCT-3'
Protein context (NP_001230937.1, residues 963-983): YPVPLVHRVA[Ile973Val]VSEKGEVKGF